The following is an entry in ClinVar:

ClinVar aggregate classification (germline): Uncertain significance. Review status: criteria provided, multiple submitters, no conflicts (2 of 4 stars). 2 submissions from 2 submitters: Uncertain significance (2). Last evaluated 2023-10-06.

Conditions:
Hereditary cancer-predisposing syndrome. Also called: Tumor predisposition; Neoplastic Syndromes, Hereditary; Hereditary neoplastic syndrome; Hereditary Cancer Syndrome. Identifiers: Orphanet 140162, MedGen C0027672, MeSH D009386, MONDO:0015356.
Neuroblastoma, susceptibility to, 3. Also called: ALK-Related Neuroblastic Tumor Susceptibility. Identifiers: Orphanet 635, MedGen C2751681, MONDO:0013083, OMIM 613014.

Submissions (2):

Ambry Genetics
Classification: Uncertain significance for Hereditary cancer-predisposing syndrome. Last evaluated: 2023-10-06. Review status: criteria provided, single submitter. Criteria: Ambry Variant Classification Scheme 2023. Collection method: clinical testing. Allele origin: germline.
Comment: The p.S1103A variant (also known as c.3307T>G), located in coding exon 20 of the ALK gene, results from a T to G substitution at nucleotide position 3307. The serine at codon 1103 is replaced by alanine, an amino acid with similar properties. This amino acid position is conserved. In addition, this alteration is predicted to be tolerated by in silico analysis. Since supporting evidence is limited at this time, the clinical significance of this alteration remains unclear.

Labcorp Genetics (formerly Invitae), Labcorp
Classification: Uncertain significance for Neuroblastoma, susceptibility to, 3. Last evaluated: 2021-12-02. Review status: criteria provided, single submitter. Criteria: Invitae Variant Classification Sherloc (09022015). Collection method: clinical testing. Allele origin: germline.
Comment: This sequence change replaces serine, which is neutral and polar, with alanine, which is neutral and non-polar, at codon 1103 of the ALK protein (p.Ser1103Ala). This variant is not present in population databases (gnomAD no frequency). This variant has not been reported in the literature in individuals affected with ALK-related conditions. Algorithms developed to predict the effect of missense changes on protein structure and function (SIFT, PolyPhen-2, Align-GVGD) all suggest that this variant is likely to be tolerated. In summary, the available evidence is currently insufficient to determine the role of this variant in disease. Therefore, it has been classified as a Variant of Uncertain Significance.

NM_004304.5(ALK):c.3307T>G (p.Ser1103Ala)

Gene: ALK (ALK receptor tyrosine kinase; minus strand). Cytogenetic location: 2p23.2.
Variant type: single nucleotide variant.
Coding change: c.3307T>G on transcript NM_004304.5 (MANE Select); coding-DNA position 3307, T replaced by G.
Protein change: p.Ser1103Ala; replaces serine 1103 with alanine.
Molecular consequence: missense variant.
Genome position (GRCh38, 1-based): chr2:29,223,394, A>C on the plus strand (T>G on the coding strand, the complement: ALK is on the minus strand). VCF-style: chr2-29223394-A-C. GRCh37 (hg19) VCF-style: chr2-29446260-A-C.
Other names: c.3307T>G (NM_004304.4); c.103T>G, p.Ser35Ala (NM_001353765.2); short protein forms S35A, S1103A.
Identifiers: ClinVar variation 1903187 (VCV001903187.6), dbSNP rs1669861057, ClinGen allele CA346464781.